The following is an entry in ClinVar:

NM_002016.2(FLG):c.557_560del (p.Asn186fs)

Genes: CCDST (cervical cancer associated DHX9 suppressive transcript; plus strand), FLG (filaggrin; minus strand). Cytogenetic location: 1q21.3.
Variant type: Deletion.
Coding change: c.557_560del on transcript NM_002016.2 (MANE Select); coding-DNA positions 557 to 560, 4 bases deleted (ACAA; older notation c.557_560delACAA).
Protein change: p.Asn186fs; shifts the reading frame from asparagine 186.
Molecular consequence: frameshift variant.
Genome position (GRCh38, 1-based): chr1:152,314,326-152,314,329, TTGT deleted on the plus strand (ACAA on the coding strand, the reverse complement: FLG is on the minus strand); deleting any 4 consecutive bases within chr1:152,314,326-152,314,331 gives the same sequence; the c. name uses the placement nearest the transcript's 3' end. VCF-style (leftmost placement, unchanged base first): chr1-152314325-CTTGT-C. GRCh37 (hg19) VCF-style: chr1-152286801-CTTGT-C.
Other names: short protein forms N186fs.
Identifiers: ClinVar variation 2498422 (VCV002498422.28), dbSNP rs1652686086, ClinGen allele CA2479952925.

ClinVar aggregate classification (germline): Likely pathogenic (1 of 4 stars; one submission).

Submission:

CeGaT Center for Human Genetics Tuebingen
Classification: Likely pathogenic. Last evaluated: 2023-01-01. Review status: criteria provided, single submitter. Criteria: CeGaT Center For Human Genetics Tuebingen Variant Classification Criteria Version 2. Collection method: clinical testing. Allele origin: germline. Affected: yes. Observed: 1 variant allele.
Comment: FLG: PVS1:Strong, PM2, PP4